The following is an entry in ClinVar:

ClinVar aggregate classification (germline): Pathogenic. Review status: reviewed by expert panel (3 of 4 stars). 3 submissions from 3 submitters: Pathogenic (1). 2 of the submissions do not count toward it. Last evaluated 2016-10-18.

Conditions:
Breast-ovarian cancer, familial, susceptibility to, 2 (BROVCA2). Also called: BRCA2 Hereditary Breast and Ovarian Cancer. Identifiers: Orphanet 145, MedGen C2675520, MONDO:0012933, OMIM 612555. Disease mechanism: loss of function.
Hereditary breast ovarian cancer syndrome. Also called: BRCA1- and BRCA2-Associated Hereditary Breast and Ovarian Cancer; Hereditary breast and ovarian cancer; Breast and ovarian cancer; Hereditary breast and/or ovarian cancer syndrome; Hereditary breast and ovarian cancer syndrome; Hereditary breast and ovarian cancer syndrome (HBOC). Identifiers: Orphanet 145, MedGen C0677776, MeSH D061325, MONDO:0003582. Disease mechanism: loss of function.

Submissions (3):

Evidence-based Network for the Interpretation of Germline Mutant Alleles (ENIGMA)
Classification: Pathogenic for Breast-ovarian cancer, familial, susceptibility to, 2. Last evaluated: 2016-10-18. Review status: reviewed by expert panel. Criteria: ENIGMA BRCA1/2 Classification Criteria (2015). Collection method: curation. Allele origin: germline.
Comment: Variant allele predicted to encode a truncated non-functional protein.

Labcorp Genetics (formerly Invitae), Labcorp
Classification: Pathogenic for Hereditary breast ovarian cancer syndrome. Last evaluated: 2017-10-26. Review status: criteria provided, single submitter. Criteria: Invitae Variant Classification Sherloc (09022015). Collection method: clinical testing. Allele origin: germline. Not counted in ClinVar's aggregate classification.
Comment: This sequence change creates a premature translational stop signal (p.Tyr2854*) in the BRCA2 gene. It is expected to result in an absent or disrupted protein product. This variant is not present in population databases (ExAC no frequency). This variant has not been reported in the literature in individuals with BRCA2-related disease. ClinVar contains an entry for this variant (Variation ID: 267097). Loss-of-function variants in BRCA2 are known to be pathogenic (PMID: 20104584). For these reasons, this variant has been classified as Pathogenic.

Consortium of Investigators of Modifiers of BRCA1/2 (CIMBA), c/o University of Cambridge
Classification: Pathogenic for Breast-ovarian cancer, familial, susceptibility to, 2. Last evaluated: 2015-10-02. Review status: criteria provided, single submitter. Criteria: CIMBA Mutation Classification guidelines May 2016. Collection method: clinical testing. Allele origin: germline. Not counted in ClinVar's aggregate classification.

Literature cited by the submitters: PubMed 20104584 (cited by Labcorp Genetics (formerly Invitae), Labcorp).

NM_000059.4(BRCA2):c.8562del (p.Lys2853_Tyr2854insTer)

Gene: BRCA2 (BRCA2 DNA repair associated; plus strand). Cytogenetic location: 13q13.1.
Variant type: Deletion.
Coding change: c.8562del on transcript NM_000059.4 (MANE Select); coding-DNA position 8562, one base deleted (T; older notation c.8562delT).
Protein change: p.Lys2853_Tyr2854insTer.
Molecular consequence: nonsense.
Genome position (GRCh38, 1-based): chr13:32,371,030, T deleted. VCF-style (leftmost placement, unchanged base first): chr13-32371029-AT-A. GRCh37 (hg19) VCF-style: chr13-32945166-AT-A.
Other names: 8790delT; c.8562delT (NM_000059.3).
Identifiers: ClinVar variation 267097 (VCV000267097.9), dbSNP rs886040782, ClinGen allele CA10589507.